The following is an entry in ClinVar:

ClinVar aggregate classification (germline): Pathogenic (1 of 4 stars; one submission).

Conditions:
Primary pulmonary hypertension. Also called: Idiopathic pulmonary hypertension. Identifiers: MedGen C0152171.

Submission:

Labcorp Genetics (formerly Invitae), Labcorp
Classification: Pathogenic for Primary pulmonary hypertension. Last evaluated: 2021-08-04. Review status: criteria provided, single submitter. Criteria: Invitae Variant Classification Sherloc (09022015). Collection method: clinical testing. Allele origin: germline.
Comment: This variant is a gross deletion of the genomic region encompassing exon(s) 4-5 of the BMPR2 gene. This deletion is out-of-frame, and is expected to create a premature translational stop signal and result in an absent or disrupted protein product. Loss-of-function variants in BMPR2 are known to be pathogenic (PMID: 16429395). A similar copy number variant has been observed in individuals with pulmonary arterial hypertension (PMID: 15775752, 19555857, 21920918, 31727138). For these reasons, this variant has been classified as Pathogenic.

Literature cited by the submitters: PubMed 16429395; PubMed 15775752; PubMed 19555857; PubMed 21920918; PubMed 31727138.

NC_000002.11:g.(?_203378422)_(203379722_?)del

Gene: BMPR2 (bone morphogenetic protein receptor type 2; plus strand). Cytogenetic location: 2q33.2.
Variant type: Deletion.
Identifiers: ClinVar variation 2423973 (VCV002423973.3).